The following is an entry in ClinVar:

NM_000400.4(ERCC2):c.1382T>C (p.Leu461Pro)

Gene: ERCC2 (ERCC excision repair 2, TFIIH core complex helicase subunit; minus strand). Cytogenetic location: 19q13.32.
Variant type: single nucleotide variant.
Coding change: c.1382T>C on transcript NM_000400.4 (MANE Select); coding-DNA position 1382, T replaced by C.
Protein change: p.Leu461Pro; replaces leucine 461 with proline.
Molecular consequence: missense variant.
Genome position (GRCh38, 1-based): chr19:45,357,367, A>G on the plus strand (T>C on the coding strand, the complement: ERCC2 is on the minus strand). VCF-style: chr19-45357367-A-G. GRCh37 (hg19) VCF-style: chr19-45860625-A-G.
Other names: short protein forms L461P.
Identifiers: ClinVar variation 3276275 (VCV003276275.1).

ClinVar aggregate classification (germline): Uncertain significance (1 of 4 stars; one submission).

Conditions:
Inborn genetic diseases. Identifiers: MedGen C0950123, MeSH D030342.

Submission:

Ambry Genetics
Classification: Uncertain significance for Inborn genetic diseases. Last evaluated: 2024-05-11. Review status: criteria provided, single submitter. Criteria: Ambry Variant Classification Scheme 2023. Collection method: clinical testing. Allele origin: germline.
Comment: The p.L461P variant (also known as c.1382T>C), located in coding exon 15 of the ERCC2 gene, results from a T to C substitution at nucleotide position 1382. The leucine at codon 461 is replaced by proline, an amino acid with similar properties. This amino acid position is conserved. In addition, this alteration is predicted to be deleterious by in silico analysis. Based on the available evidence, the clinical significance of this variant remains unclear.